The following is an entry in ClinVar:

NM_000203.5(IDUA):c.792G>A (p.Lys264=)

Gene: IDUA (alpha-L-iduronidase; plus strand). Cytogenetic location: 4p16.3.
Variant type: single nucleotide variant.
Coding change: c.792G>A on transcript NM_000203.5 (MANE Select); coding-DNA position 792, G replaced by A.
Protein change: p.Lys264=; no amino-acid change (lysine 264 retained).
Molecular consequence: synonymous variant. On other transcripts: non-coding transcript variant (1).
Genome position (GRCh38, 1-based): chr4:1,001,881, G>A. VCF-style: chr4-1001881-G-A. GRCh37 (hg19) VCF-style: chr4-995669-G-A.
Other names: c.396G>A, p.Lys132= (NM_001363576.1).
Identifiers: ClinVar variation 3382137 (VCV003382137.2).

ClinVar aggregate classification (germline): Uncertain significance (1 of 4 stars; one submission).

Conditions:
Mucopolysaccharidosis, MPS-I-H/S. Also called: Mucopolysaccharidosis type IH/S. Identifiers: Orphanet 93476, MedGen C0086431, MONDO:0011759, OMIM 607015.
Mucopolysaccharidosis, MPS-I-S. Also called: MPS V; MUCOPOLYSACCHARIDOSIS TYPE V; Scheie Syndrome; MUCOPOLYSACCHARIDOSIS TYPE IS. Identifiers: Orphanet 93474, MedGen C0026708, MONDO:0011760, OMIM 607016.
Hurler syndrome. Also called: Gargoylism, Hurler Syndrome; MUCOPOLYSACCHARIDOSIS TYPE IH; Severe MPS I (Hurler Syndrome). Identifiers: Orphanet 93473, MedGen C0086795, MONDO:0011758, OMIM 607014.

Submission:

Juno Genomics, Hangzhou Juno Genomics, Inc
Classification: Uncertain significance for Hurler syndrome; Mucopolysaccharidosis, MPS-I-H/S; Mucopolysaccharidosis, MPS-I-S. Review status: criteria provided, single submitter. Criteria: ACMG Guidelines, 2015. Collection method: clinical testing. Allele origin: germline. Affected: yes.
Comment: Absent from controls (or at extremely low frequency if recessive) in Genome Aggregation Database, Exome Sequencing Project, 1000 Genomes Project, or Exome Aggregation Consortium.;Multiple lines of computational evidence support a deleterious effect on the gene or gene product (conservation, evolutionary, splicing impact, etc).;For recessive disorders, detected in trans with a pathogenic variant.;Patient's phenotype or family history is highly specific for a disease with a single genetic etiology.